The following is an entry in ClinVar:

NM_002055.5(GFAP):c.260T>G (p.Val87Gly)

Gene: GFAP (glial fibrillary acidic protein; minus strand). Cytogenetic location: 17q21.31.
Variant type: single nucleotide variant.
Coding change: c.260T>G on transcript NM_002055.5 (MANE Select); coding-DNA position 260, T replaced by G.
Protein change: p.Val87Gly; replaces valine 87 with glycine.
Molecular consequence: missense variant.
Genome position (GRCh38, 1-based): chr17:44,915,227, A>C on the plus strand (T>G on the coding strand, the complement: GFAP is on the minus strand). VCF-style: chr17-44915227-A-C. GRCh37 (hg19) VCF-style: chr17-42992595-A-C.
Other names: NM_002055.5(GFAP):c.260T>G; c.260T>G, p.Val87Gly (NM_001131019.3, NM_001242376.3, NM_001363846.2); short protein forms V87G.
Identifiers: ClinVar variation 66478 (VCV000066478.4), dbSNP rs60449251, ClinGen allele CA217180.

ClinVar aggregate classification (germline): Likely pathogenic. Review status: reviewed by expert panel (3 of 4 stars). 3 submissions from 3 submitters: Likely pathogenic (1). 2 of the submissions do not count toward it. Last evaluated 2026-10-23.

Conditions:
Alexander disease (ALXDRD). Also called: Alexander's disease. Identifiers: Orphanet 58, MedGen C0270726, MONDO:0008752, OMIM 203450.

Submissions (3):

ClinGen Leukodystrophy and Leukoencephalopathy Variant Curation Expert Panel, ClinGen
Classification: Likely pathogenic for Alexander disease. Last evaluated: 2026-10-23. Review status: reviewed by expert panel. Criteria: ClinGen Leuko ACMG Specifications GFAP V1.0. Collection method: curation. Allele origin: germline. Inheritance: Autosomal dominant inheritance.
Comment: The c.260T>G variant in GFAP is a missense variant predicted to cause substitution of valine by glycine at amino acid 87 (p.Val87Gly). This variant has been reported in one proband meeting a "definite" diagnosis of Alexander disease and one proband with "consistent" features of Alexander disease per ClinGen Leukodystrophy and Leukoencephalopathy Expert Panel Specifications to the ACMG/AMP Variant Interpretation Guidelines for GFAP Version 1.0.0 (PS4_Moderate; PMID: 1867077, 20849398, 21533827). The variant has been reported to segregate with disease in four affected family members from one family (PP1_Moderate; PMID: 11867077, 20849398). Immunohistochemistry in transfected human astrocytoma cells showed elevated proportions of abnormal GFAP structure, indicating that this variant impacts protein function (PS3_Moderate, PMID: 17318298). This variant resides within a region, amino acids 59-88, of GFAP that is defined as a region enriched with pathogenic variants and with significant missense variation constraint by the ClinGen Leukodystrophy and Leukoencephalopathy Expert Panel Specifications to the ACMG/AMP Variant Interpretation Guidelines for GFAP Version 1.0.0 (PM1). This variant is absent from gnomAD v4.1.1 (PM2_Supporting). In summary, this variant meets the criteria to be classified as a likely pathogenic variant for Alexander disease based on the ACMG/AMP criteria applied, as specified by the ClinGen Leukodystrophy and Leukoencephalopathy Expert Panel Specifications to the ACMG/AMP Variant Interpretation Guidelines for GFAP Version 1.0.0: PS4_Moderate, PP1_Moderate, PS3_Moderate, PM1, PM2_Supporting.

Epithelial Biology;  Institute of Medical Biology, Singapore
No classification provided. Review status: no classification provided. Collection method: not provided. Allele origin: not provided. Not counted in ClinVar's aggregate classification.

GeneReviews
No classification provided. Condition: Alexander disease. Review status: no classification provided. Collection method: literature only. Allele origin: germline. Affected: yes. Not counted in ClinVar's aggregate classification.

Literature cited by the submitters: PubMed 20849398 (cited by GeneReviews); PubMed 21533827 (cited by GeneReviews); PubMed 11867077 (cited by GeneReviews); NCBI Bookshelf NBK1172 (cited by GeneReviews).